The following is an entry in ClinVar:

ClinVar aggregate classification (germline): Uncertain significance (1 of 4 stars; one submission).

Allele frequency attached by ClinVar (database versions not stated): gnomAD exomes below 0.00001.
gnomAD v4.1: 1 of 1,606,558 alleles (0.000062%); highest among the groups gnomAD compares: Non-Finnish European, 0.000085%; no homozygotes.

Submission:

GeneDx
Classification: Uncertain significance. Last evaluated: 2022-06-17. Review status: criteria provided, single submitter. Criteria: GeneDx Variant Classification Process June 2021. Collection method: clinical testing. Allele origin: germline. Affected: yes.
Comment: Not observed at significant frequency in large population cohorts (gnomAD); In silico analysis supports that this missense variant does not alter protein structure/function; Has not been previously published as pathogenic or benign to our knowledge

NM_130839.5(UBE3A):c.362A>G (p.Asp121Gly)

Genes: SNHG14 (small nucleolar RNA host gene 14; plus strand), UBE3A (ubiquitin protein ligase E3A; minus strand). Cytogenetic location: 15q11.2.
Variant type: single nucleotide variant.
Coding change: c.362A>G on transcript NM_130839.5 (MANE Select); coding-DNA position 362, A replaced by G.
Protein change: p.Asp121Gly; replaces aspartic acid 121 with glycine.
Molecular consequence: missense variant. On other transcripts: non-coding transcript variant (1), intron variant (2).
Genome position (GRCh38, 1-based): chr15:25,371,812, T>C on the plus strand (A>G on the coding strand, the complement: UBE3A is on the minus strand). VCF-style: chr15-25371812-T-C. GRCh37 (hg19) VCF-style: chr15-25616959-T-C.
Other names: c.371A>G, p.Asp124Gly (NM_000462.5); c.362A>G, p.Asp121Gly (NM_001354505.1, NM_001354538.2, NM_001354545.2); c.302A>G, p.Asp101Gly (NM_001354506.2, NM_001354507.2, NM_001354508.2 and 17 more transcripts); c.301+3653A>G (NM_001354551.2); c.361+3653A>G (NM_001354550.2); c.185A>G, p.Asp62Gly (NM_001354546.2); short protein forms D101G, D121G, D124G, D62G.
Identifiers: ClinVar variation 1804440 (VCV001804440.1), dbSNP rs2552191842, ClinGen allele CA391356032.